The following is an entry in ClinVar:

ClinVar aggregate classification (germline): Uncertain significance. Review status: criteria provided, multiple submitters, no conflicts (2 of 4 stars). 2 submissions from 2 submitters: Uncertain significance (2). Last evaluated 2025-07-09.

Conditions:
Cardiovascular phenotype. Identifiers: MedGen CN230736.
Long QT syndrome (LQTS). Identifiers: MedGen C0023976, MeSH D008133, MONDO:0002442. Disease mechanism: loss of function. Inheritance: Various modes of inheritance.

Allele frequency attached by ClinVar (database versions not stated): gnomAD exomes below 0.00001; ExAC 0.00001.
gnomAD v4.1: 2 of 1,614,038 alleles (0.00012%); highest among the groups gnomAD compares: Admixed American, 0.0017%; no homozygotes.

Submissions (2):

Labcorp Genetics (formerly Invitae), Labcorp
Classification: Uncertain significance for Long QT syndrome. Last evaluated: 2025-07-09. Review status: criteria provided, single submitter. Criteria: Invitae Variant Classification Sherloc (09022015). Collection method: clinical testing. Allele origin: germline.
Comment: This sequence change replaces glycine, which is neutral and non-polar, with serine, which is neutral and polar, at codon 3800 of the AKAP9 protein (p.Gly3800Ser). This variant is present in population databases (rs767337890, gnomAD 0.003%). This variant has not been reported in the literature in individuals affected with AKAP9-related conditions. ClinVar contains an entry for this variant (Variation ID: 2449733). An algorithm developed to predict the effect of missense changes on protein structure and function (PolyPhen-2) suggests that this variant is likely to be tolerated. Algorithms developed to predict the effect of sequence changes on RNA splicing suggest that this variant may disrupt the consensus splice site. In summary, the available evidence is currently insufficient to determine the role of this variant in disease. Therefore, it has been classified as a Variant of Uncertain Significance.

Ambry Genetics
Classification: Uncertain significance for Cardiovascular phenotype. Last evaluated: 2022-11-04. Review status: criteria provided, single submitter. Criteria: Ambry Variant Classification Scheme 2023. Collection method: clinical testing. Allele origin: germline.
Comment: The p.G3800S variant (also known as c.11398G>A), located in coding exon 47 of the AKAP9 gene, results from a G to A substitution at nucleotide position 11398. The glycine at codon 3800 is replaced by serine, an amino acid with similar properties. This amino acid position is conserved. In addition, this alteration is predicted to be tolerated by in silico analysis. Since supporting evidence is limited at this time, the clinical significance of this alteration remains unclear.

NM_005751.5(AKAP9):c.11398G>A (p.Gly3800Ser)

Gene: AKAP9 (A-kinase anchoring protein 9; plus strand). Cytogenetic location: 7q21.2.
Variant type: single nucleotide variant.
Coding change: c.11398G>A on transcript NM_005751.5 (MANE Select); coding-DNA position 11398, G replaced by A.
Protein change: p.Gly3800Ser; replaces glycine 3800 with serine.
Molecular consequence: missense variant.
Genome position (GRCh38, 1-based): chr7:92,105,745, G>A. VCF-style: chr7-92105745-G-A. GRCh37 (hg19) VCF-style: chr7-91735059-G-A.
Other names: c.6043G>A, p.Gly2015Ser (NM_001379277.1); c.11374G>A, p.Gly3792Ser (NM_147185.3); short protein forms G3792S, G3800S, G2015S.
Identifiers: ClinVar variation 2449733 (VCV002449733.3), dbSNP rs767337890, ClinGen allele CA4338185.